The following is an entry in ClinVar:

ClinVar aggregate classification (germline): Uncertain significance. Review status: criteria provided, multiple submitters, no conflicts (2 of 4 stars). 2 submissions from 2 submitters: Uncertain significance (2). Last evaluated 2023-09-13.

Conditions:
Primary ciliary dyskinesia. Also called: Ciliary dyskinesia. Identifiers: Orphanet 244, MedGen C0008780, MONDO:0016575, HP:0012265.

Allele frequency attached by ClinVar (database versions not stated): ESP Exome Variant Server 0.00008; gnomAD 0.00004; TOPMed 0.00005.
gnomAD v4.1: 23 of 1,613,484 alleles (0.0014%); highest among the groups gnomAD compares: African/African-American, 0.008%; no homozygotes.

Submissions (2):

Ambry Genetics
Classification: Uncertain significance for Primary ciliary dyskinesia. Last evaluated: 2023-09-13. Review status: criteria provided, single submitter. Criteria: Ambry Variant Classification Scheme 2023. Collection method: clinical testing. Allele origin: germline.

Labcorp Genetics (formerly Invitae), Labcorp
Classification: Uncertain significance for Primary ciliary dyskinesia. Last evaluated: 2017-02-10. Review status: criteria provided, single submitter. Criteria: Invitae Variant Classification Sherloc (09022015). Collection method: clinical testing. Allele origin: germline.
Comment: In summary, this variant is a rare missense change that is not predicted to affect protein function. There is no indication that it causes disease, but the available evidence is currently insufficient to prove that conclusively. Therefore, it has been classified as a Variant of Uncertain Significance. Algorithms developed to predict the effect of missense changes on protein structure and function (SIFT, PolyPhen-2, Align-GVGD) all suggest that this variant is likely to be tolerated, but these predictions have not been confirmed by published functional studies. This variant is present in population databases (rs372360189, ExAC 0.003%) but has not been reported in the literature in individuals with a CCDC40-related disease. This sequence change replaces glutamic acid with lysine at codon 213 of the CCDC40 protein (p.Glu213Lys). The glutamic acid residue is weakly conserved and there is a small physicochemical difference between glutamic acid and lysine.

NM_017950.4(CCDC40):c.637G>A (p.Glu213Lys)

Gene: CCDC40 (coiled-coil domain 40 molecular ruler complex subunit; plus strand). Cytogenetic location: 17q25.3.
Variant type: single nucleotide variant.
Coding change: c.637G>A on transcript NM_017950.4 (MANE Select); coding-DNA position 637, G replaced by A.
Protein change: p.Glu213Lys; replaces glutamic acid 213 with lysine.
Molecular consequence: missense variant.
Genome position (GRCh38, 1-based): chr17:80,047,363, G>A. VCF-style: chr17-80047363-G-A. GRCh37 (hg19) VCF-style: chr17-78021162-G-A.
Other names: c.637G>A, p.Glu213Lys (NM_001243342.2, NM_001330508.2); short protein forms E213K.
Identifiers: ClinVar variation 454893 (VCV000454893.11), dbSNP rs372360189, ClinGen allele CA8813511.